The following is an entry in ClinVar:

NM_024079.5(ALG8):c.382A>G (p.Ile128Val)

Gene: ALG8 (ALG8 alpha-1,3-glucosyltransferase; minus strand). Cytogenetic location: 11q14.1.
Variant type: single nucleotide variant.
Coding change: c.382A>G on transcript NM_024079.5 (MANE Select); coding-DNA position 382, A replaced by G.
Protein change: p.Ile128Val; replaces isoleucine 128 with valine.
Molecular consequence: missense variant.
Genome position (GRCh38, 1-based): chr11:78,121,161, T>C on the plus strand (A>G on the coding strand, the complement: ALG8 is on the minus strand). VCF-style: chr11-78121161-T-C. GRCh37 (hg19) VCF-style: chr11-77832207-T-C.
Other names: p.Ile128Val; c.382A>G, p.Ile128Val (NM_001007027.3); short protein forms I128V.
Identifiers: ClinVar variation 881593 (VCV000881593.11), dbSNP rs111831728, ClinGen allele CA6203491.
Genomic context (GRCh38, chr11:78,121,161, plus strand): 5'-ATACCGACAGAATAAATTTTGGCTTTTCTGTAAGTTCTTTACCCACTTTTTTTCCATCAA[T>C]GCATTTACAGCACCTACATTGAAACATTAGGAAAGAAACAGAAACAACTTTGATCTTCAT-3'
Protein context (NP_076984.2, residues 118-138): VYAVRECCKC[Ile128Val]DGKKVGKELT

ClinVar aggregate classification (germline): Uncertain significance. Review status: criteria provided, multiple submitters, no conflicts (2 of 4 stars). 4 submissions from 4 submitters: Uncertain significance (4). Last evaluated 2025-08-28.

Conditions:
ALG8 congenital disorder of glycosylation. Also called: CDG Ih; ALG8-CDG; CONGENITAL DISORDER OF GLYCOSYLATION, TYPE Ih. Identifiers: Orphanet 79325, MedGen C2931002, MONDO:0011969, OMIM 608104.
Polycystic liver disease 3 with or without kidney cysts. Identifiers: MedGen C4693472, MONDO:0054743, OMIM 617874.

Allele frequency attached by ClinVar (database versions not stated): gnomAD 0.00001 and 0.00002; ExAC 0.00004; gnomAD exomes 0.00004; TOPMed 0.00006.

Submissions (4):

Mayo Clinic Laboratories, Mayo Clinic
Classification: Uncertain significance. Last evaluated: 2025-08-28. Review status: criteria provided, single submitter. Criteria: ACMG Guidelines, 2015. Collection method: clinical testing. Allele origin: germline. Observed: 1 variant allele.
Comment: BP4

Fulgent Genetics
Classification: Uncertain significance for ALG8 congenital disorder of glycosylation; Polycystic liver disease 3 with or without kidney cysts. Last evaluated: 2024-05-29. Review status: criteria provided, single submitter. Criteria: ACMG Guidelines, 2015. Collection method: clinical testing. Allele origin: germline.

Labcorp Genetics (formerly Invitae), Labcorp
Classification: Uncertain significance for ALG8 congenital disorder of glycosylation. Last evaluated: 2024-03-12. Review status: criteria provided, single submitter. Criteria: Invitae Variant Classification Sherloc (09022015). Collection method: clinical testing. Allele origin: germline.
Comment: This sequence change replaces isoleucine, which is neutral and non-polar, with valine, which is neutral and non-polar, at codon 128 of the ALG8 protein (p.Ile128Val). This variant is present in population databases (rs111831728, gnomAD 0.006%). This variant has not been reported in the literature in individuals affected with ALG8-related conditions. ClinVar contains an entry for this variant (Variation ID: 881593). Advanced modeling of protein sequence and biophysical properties (such as structural, functional, and spatial information, amino acid conservation, physicochemical variation, residue mobility, and thermodynamic stability) performed at Invitae indicates that this missense variant is not expected to disrupt ALG8 protein function with a negative predictive value of 80%. In summary, the available evidence is currently insufficient to determine the role of this variant in disease. Therefore, it has been classified as a Variant of Uncertain Significance.

Illumina Laboratory Services, Illumina
Classification: Uncertain significance for ALG8 congenital disorder of glycosylation. Last evaluated: 2018-01-13. Review status: criteria provided, single submitter. Criteria: ICSL Variant Classification Criteria 13 December 2019. Collection method: clinical testing. Allele origin: germline.